The following is an entry in ClinVar:

NM_020831.6(MRTFA):c.2629C>T (p.Pro877Ser)

Gene: MRTFA (myocardin related transcription factor A; minus strand). Cytogenetic location: 22q13.1.
Variant type: single nucleotide variant.
Coding change: c.2629C>T on transcript NM_020831.6 (MANE Select); coding-DNA position 2629, C replaced by T.
Protein change: p.Pro877Ser; replaces proline 877 with serine.
Molecular consequence: missense variant.
Genome position (GRCh38, 1-based): chr22:40,411,857, G>A on the plus strand (C>T on the coding strand, the complement: MRTFA is on the minus strand). VCF-style: chr22-40411857-G-A. GRCh37 (hg19) VCF-style: chr22-40807861-G-A.
Other names: c.2329C>T, p.Pro777Ser (NM_001282660.2); c.2479C>T, p.Pro827Ser (NM_001282661.3); c.2639C>T, p.Ala880Val (NM_001282662.3); c.2434C>T, p.Pro812Ser (NM_001318139.2); short protein forms P812S, A880V, P777S, P827S, P877S.
Identifiers: ClinVar variation 2116347 (VCV002116347.4), dbSNP rs2517787945, ClinGen allele CA411654062.

ClinVar aggregate classification (germline): Uncertain significance (1 of 4 stars; one submission).

Submission:

Labcorp Genetics (formerly Invitae), Labcorp
Classification: Uncertain significance. Last evaluated: 2022-03-23. Review status: criteria provided, single submitter. Criteria: Invitae Variant Classification Sherloc (09022015). Collection method: clinical testing. Allele origin: germline.
Comment: This variant has not been reported in the literature in individuals affected with MKL1-related conditions. Algorithms developed to predict the effect of missense changes on protein structure and function output the following: SIFT: "Tolerated"; PolyPhen-2: "Benign"; Align-GVGD: "Class C0". The serine amino acid residue is found in multiple mammalian species, which suggests that this missense change does not adversely affect protein function. In summary, the available evidence is currently insufficient to determine the role of this variant in disease. Therefore, it has been classified as a Variant of Uncertain Significance. This sequence change replaces proline, which is neutral and non-polar, with serine, which is neutral and polar, at codon 777 of the MKL1 protein (p.Pro777Ser). This variant is not present in population databases (gnomAD no frequency).